The following is an entry in ClinVar:

NM_004991.4(MECOM):c.3565C>A (p.His1189Asn)

Gene: MECOM (MDS1 and EVI1 complex locus; minus strand). Cytogenetic location: 3q26.2.
Variant type: single nucleotide variant.
Coding change: c.3565C>A on transcript NM_004991.4 (MANE Select); coding-DNA position 3565, C replaced by A.
Protein change: p.His1189Asn; replaces histidine 1189 with asparagine.
Molecular consequence: missense variant.
Genome position (GRCh38, 1-based): chr3:169,089,020, G>T on the plus strand (C>A on the coding strand, the complement: MECOM is on the minus strand). VCF-style: chr3-169089020-G-T. GRCh37 (hg19) VCF-style: chr3-168806808-G-T.
Other names: c.3196C>A, p.His1066Asn (NM_001105077.4); c.3001C>A, p.His1001Asn (NM_001105078.4, NM_001205194.2, NM_001366469.2 and 1 more transcripts); c.2977C>A, p.His993Asn (NM_001163999.2, NM_001366470.2); c.2974C>A, p.His992Asn (NM_001164000.2, NM_001366471.2, NM_001366472.2); c.3538C>A, p.His1180Asn (NM_001366466.2); c.3004C>A, p.His1002Asn (NM_001366467.2, NM_001366468.2); c.2566C>A, p.His856Asn (NM_001366473.2); c.2002C>A, p.His668Asn (NM_001366474.2); and 1 more; short protein forms H1002N, H1189N, H992N, H1066N, H1180N, H668N, H1001N, H856N.
Identifiers: ClinVar variation 3653700 (VCV003653700.3).

ClinVar aggregate classification (germline): Uncertain significance. Review status: criteria provided, multiple submitters, no conflicts (2 of 4 stars). 2 submissions from 2 submitters: Uncertain significance (2). Last evaluated 2025-02-15.

Conditions:
Inborn genetic diseases. Identifiers: MedGen C0950123, MeSH D030342.

gnomAD v4.1: 9 of 1,600,930 alleles (0.00056%); highest among the groups gnomAD compares: Middle Eastern, 0.017%; no homozygotes.

Submissions (2):

Ambry Genetics
Classification: Uncertain significance for Inborn genetic diseases. Last evaluated: 2025-02-15. Review status: criteria provided, single submitter. Criteria: Ambry Variant Classification Scheme 2023. Collection method: clinical testing. Allele origin: germline.
Comment: The p.H1189N variant (also known as c.3565C>A), located in coding exon 16 of the MECOM gene, results from a C to A substitution at nucleotide position 3565. The histidine at codon 1189 is replaced by asparagine, an amino acid with similar properties. This amino acid position is conserved. In addition, this alteration is predicted to be tolerated by in silico analysis. Based on the available evidence, the clinical significance of this variant remains unclear.

Labcorp Genetics (formerly Invitae), Labcorp
Classification: Uncertain significance. Last evaluated: 2024-06-02. Review status: criteria provided, single submitter. Criteria: Invitae Variant Classification Sherloc (09022015). Collection method: clinical testing. Allele origin: germline.
Comment: This sequence change replaces histidine, which is basic and polar, with asparagine, which is neutral and polar, at codon 1001 of the MECOM protein (p.His1001Asn). This variant is present in population databases (no rsID available, gnomAD 0.007%). This variant has not been reported in the literature in individuals affected with MECOM-related conditions. An algorithm developed to predict the effect of missense changes on protein structure and function (PolyPhen-2) suggests that this variant is likely to be tolerated. In summary, the available evidence is currently insufficient to determine the role of this variant in disease. Therefore, it has been classified as a Variant of Uncertain Significance.